The following is an entry in ClinVar:

ClinVar aggregate classification (germline): Likely benign. Review status: criteria provided, multiple submitters, no conflicts (2 of 4 stars). 3 submissions from 3 submitters: Likely benign (3). Last evaluated 2025-10-21.

Conditions:
Primary dilated cardiomyopathy (DCM). Also called: Dilated Cardiomyopathy. Identifiers: Orphanet 217604, MedGen C0007193, MeSH D002311, MONDO:0005021, HP:0001644. Inheritance: Various modes of inheritance.
Hypertrophic cardiomyopathy. Also called: HYPERTROPHIC MYOCARDIOPATHY. Identifiers: Orphanet 217569, MedGen C0007194, MeSH D002312, MONDO:0005045, HP:0001639.

Allele frequency attached by ClinVar (database versions not stated): gnomAD exomes below 0.00001 and 0.00001; ExAC 0.00002; gnomAD 0.00003; TOPMed 0.00003; ESP Exome Variant Server 0.00008.
gnomAD v4.1: 9 of 1,614,084 alleles (0.00056%); highest among the groups gnomAD compares: African/African-American, 0.012%; no homozygotes.

Submissions (3):

Labcorp Genetics (formerly Invitae), Labcorp
Classification: Likely benign for Hypertrophic cardiomyopathy; Primary dilated cardiomyopathy. Last evaluated: 2025-10-21. Review status: criteria provided, single submitter. Criteria: Invitae Variant Classification Sherloc (09022015). Collection method: clinical testing. Allele origin: germline.

Ambry Genetics
Classification: Likely benign. Last evaluated: 2025-09-25. Review status: criteria provided, single submitter. Criteria: Ambry Variant Classification Scheme 2023. Collection method: clinical testing. Allele origin: germline.

GeneDx
Classification: Likely benign. Last evaluated: 2017-07-31. Review status: criteria provided, single submitter. Criteria: GeneDx Variant Classification (06012015). Collection method: clinical testing. Allele origin: germline. Affected: yes.
Comment: This variant is considered likely benign or benign based on one or more of the following criteria: it is a conservative change, it occurs at a poorly conserved position in the protein, it is predicted to be benign by multiple in silico algorithms, and/or has population frequency not consistent with disease.

NM_014476.6(PDLIM3):c.1029C>T (p.Thr343=)

Gene: PDLIM3 (PDZ and LIM domain 3; minus strand). Cytogenetic location: 4q35.1.
Variant type: single nucleotide variant.
Coding change: c.1029C>T on transcript NM_014476.6 (MANE Select); coding-DNA position 1029, C replaced by T.
Protein change: p.Thr343=; no amino-acid change (threonine 343 retained).
Molecular consequence: synonymous variant. On other transcripts: non-coding transcript variant (1).
Genome position (GRCh38, 1-based): chr4:185,502,360, G>A on the plus strand (C>T on the coding strand, the complement: PDLIM3 is on the minus strand). VCF-style: chr4-185502360-G-A. GRCh37 (hg19) VCF-style: chr4-186423514-G-A.
Other names: c.885C>T, p.Thr295= (NM_001114107.5); c.765C>T, p.Thr255= (NM_001257962.2); c.528C>T, p.Thr176= (NM_001257963.2); c.1029C>T (NM_014476.4).
Identifiers: ClinVar variation 511207 (VCV000511207.3), dbSNP rs138660243, ClinGen allele CA3159606.